The following is an entry in ClinVar:

ClinVar aggregate classification (germline): Uncertain significance. Review status: criteria provided, multiple submitters, no conflicts (2 of 4 stars). 3 submissions from 3 submitters: Uncertain significance (3). Last evaluated 2023-08-22.

Conditions:
Left ventricular noncompaction 1 (LVNC1). Also called: LEFT VENTRICULAR NONCOMPACTION 1 WITH OR WITHOUT CONGENITAL HEART DEFECTS. Identifiers: Orphanet 54260, MedGen C1858725, MONDO:0011403, OMIM 604169.

Allele frequency attached by ClinVar (database versions not stated): gnomAD 0.00001; gnomAD exomes 0.00001; TOPMed 0.00002.
gnomAD v4.1: 57 of 1,613,774 alleles (0.0035%); highest among the groups gnomAD compares: Non-Finnish European, 0.0047%; no homozygotes.

Submissions (3):

Labcorp Genetics (formerly Invitae), Labcorp
Classification: Uncertain significance for Left ventricular noncompaction 1. Last evaluated: 2023-08-22. Review status: criteria provided, single submitter. Criteria: Invitae Variant Classification Sherloc (09022015). Collection method: clinical testing. Allele origin: germline.
Comment: In summary, the available evidence is currently insufficient to determine the role of this variant in disease. Therefore, it has been classified as a Variant of Uncertain Significance. Advanced modeling of protein sequence and biophysical properties (such as structural, functional, and spatial information, amino acid conservation, physicochemical variation, residue mobility, and thermodynamic stability) performed at Invitae indicates that this missense variant is not expected to disrupt DTNA protein function. ClinVar contains an entry for this variant (Variation ID: 1677776). This variant has not been reported in the literature in individuals affected with DTNA-related conditions. This variant is present in population databases (no rsID available, gnomAD 0.002%). This sequence change replaces glutamine, which is neutral and polar, with histidine, which is basic and polar, at codon 220 of the DTNA protein (p.Gln220His).

Blueprint Genetics
Classification: Uncertain significance. Last evaluated: 2023-04-05. Review status: criteria provided, single submitter. Criteria: ACMG Guidelines, 2015. Collection method: clinical testing. Allele origin: germline.

AiLife Diagnostics
Classification: Uncertain significance. Last evaluated: 2022-01-05. Review status: criteria provided, single submitter. Criteria: ACMG Guidelines, 2015. Collection method: clinical testing. Allele origin: germline. Affected: yes. Observed: 1 variant allele.

NM_001386795.1(DTNA):c.660G>T (p.Gln220His)

Gene: DTNA (dystrobrevin alpha; plus strand). Cytogenetic location: 18q12.1.
Variant type: single nucleotide variant.
Coding change: c.660G>T on transcript NM_001386795.1 (MANE Select); coding-DNA position 660, G replaced by T.
Protein change: p.Gln220His; replaces glutamine 220 with histidine.
Molecular consequence: missense variant. On other transcripts: intron variant (1).
Genome position (GRCh38, 1-based): chr18:34,815,965, G>T. VCF-style: chr18-34815965-G-T. GRCh37 (hg19) VCF-style: chr18-32395929-G-T.
Other names: c.660G>T, p.Gln220His (NM_001128175.2, NM_001198938.2, NM_001198939.2 and 34 more transcripts); c.603+3852G>T (NM_001198945.2); short protein forms Q220H.
Identifiers: ClinVar variation 1677776 (VCV001677776.5), dbSNP rs1031348434, ClinGen allele CA297759694.